The following is an entry in ClinVar:

NM_001164508.2(NEB):c.23742+164A>G

Genes: NEB (nebulin; minus strand), RIF1 (replication timing regulatory factor 1; plus strand). Cytogenetic location: 2q23.3.
Variant type: single nucleotide variant.
Coding change: c.23742+164A>G on transcript NM_001164508.2 (MANE Select); 164 bases into the intron after coding-DNA position 23742, A replaced by G.
Molecular consequence: intron variant.
Genome position (GRCh38, 1-based): chr2:151,505,314, T>C on the plus strand (A>G on the coding strand, the complement: NEB is on the minus strand). VCF-style: chr2-151505314-T-C. GRCh37 (hg19) VCF-style: chr2-152361828-T-C.
Other names: NM_001164508.2:c.23742+164A>G; c.18639+164A>G (NM_004543.5); c.23742+164A>G (NM_001164507.2); c.23847+164A>G (NM_001271208.2).
Identifiers: ClinVar variation 3776962 (VCV003776962.2).
Genomic context (GRCh38, chr2:151,505,314, plus strand): 5'-AGGTAGGAAAAGAAAGCCAAATCCCTTCTACTCCTTGATTATGAGAAAAGTGGTTTCTTA[T>C]CTACTTTTGCAACCTGTAGTGACCCCATCAAGACTAAGGGAGAATTCACAACATCCCCAA-3'

ClinVar aggregate classification (germline): Pathogenic. Review status: criteria provided, multiple submitters, no conflicts (2 of 4 stars). 2 submissions from 2 submitters: Pathogenic (2). Last evaluated 2025-04-15.

Conditions:
Nemaline myopathy. Also called: Myopathies, Nemaline. Identifiers: Orphanet 607, MedGen C0206157, MONDO:0018958.

gnomAD v4.1: 1 of 152,162 alleles (0.00066%); highest among the groups gnomAD compares: African/African-American, 0.0024%; no homozygotes.

Submissions (2):

GeneDx
Classification: Pathogenic. Last evaluated: 2025-04-15. Review status: criteria provided, single submitter. Criteria: GeneDx Variant Classification Process June 2021. Collection method: clinical testing. Allele origin: germline. Affected: yes.
Comment: Non-canonical splice site variant demonstrated to result in loss of function (PMID: 30467404); No data available from control populations to assess the frequency of this variant; This variant is associated with the following publications: (PMID: 30467404, 40091977)

Broad Center for Mendelian Genomics, Broad Institute of MIT and Harvard
Classification: Pathogenic for Nemaline myopathy. Last evaluated: 2025-02-28. Review status: criteria provided, single submitter. Criteria: ACMG Guidelines, 2015. Collection method: curation. Allele origin: germline. Inheritance: Autosomal recessive inheritance.
Comment: The c.23742+164A>G variant in NEB has been reported, in the compound heterozygous state, in one individual with nemaline myopathy (PMID: 30467404), and has been identified in 0.002% (1/41428) of African/African American chromosomes by the Genome Aggregation Database (gnomAD; dbSNP ID: rs541884621). Although this variant has been seen in the general population in a heterozygous state, its frequency is low enough to be consistent with a recessive carrier frequency. This variant is located in the extended 3' splice region. Computational tools do suggest an impact to splicing. However, this information is not predictive enough to determine pathogenicity. RT-PCR analysis performed on affected tissues shows alternate splicing predicted to lead to inclusion of an out of frame cryptic exon. Loss of function of the NEB gene is an established disease mechanism in autosomal recessive nemaline myopathy. In summary, this variant meets criteria to be classified as pathogenic for autosomal recessive nemaline myopathy. ACMG/AMP Criteria applied: PVS1_strong, PM2_supporting, PM3_supporting (Richards 2015).